The following is an entry in ClinVar:

ClinVar aggregate classification (germline): Conflicting classifications of pathogenicity. Review status: criteria provided, conflicting classifications (1 of 4 stars). 6 submissions from 6 submitters: Uncertain significance (4); Likely benign (2). Last evaluated 2026-08-21.

Conditions:
SCN10A-related disorder. Also called: SCN10A-related condition.
Cardiovascular phenotype. Identifiers: MedGen CN230736.
Episodic pain syndrome, familial, 2 (FEPS2). Identifiers: Orphanet 306577, MedGen C3809893, MONDO:0014246, OMIM 615551.
Brugada syndrome. Also called: Sudden unexpected nocturnal death syndrome; Sudden unexplained nocturnal death syndrome; Sudden Unexplained Death Syndrome; Sudden Unexplained Nocturnal Death Syndrome (SUNDS). Identifiers: Orphanet 130, MedGen C1142166, MONDO:0015263.

Allele frequency attached by ClinVar (database versions not stated): gnomAD exomes 0.00014 and 0.00026; ExAC 0.00016; TOPMed 0.00018; gnomAD 0.00019 and 0.00022.
gnomAD v4.1: 408 of 1,614,102 alleles (0.025%); highest among the groups gnomAD compares: Non-Finnish European, 0.032%; no homozygotes.

Submissions (6):

GeneDx
Classification: Uncertain significance. Last evaluated: 2026-08-21. Review status: criteria provided, single submitter. Criteria: GeneDx Variant Classification Process June 2021. Collection method: clinical testing. Allele origin: germline.
Comment: Has not been previously published as pathogenic or benign to our knowledge; In silico analysis supports that this missense variant has a deleterious effect on protein structure/function

PreventionGenetics, part of Exact Sciences
Classification: Likely benign for SCN10A-related condition. Last evaluated: 2026-01-12. Review status: criteria provided, single submitter. Criteria: ACMG Guidelines, 2015. Collection method: clinical testing. Allele origin: germline.
Comment: This variant is classified as likely benign based on ACMG/AMP sequence variant interpretation guidelines (Richards et al. 2015 PMID: 25741868, with internal and published modifications).

Labcorp Genetics (formerly Invitae), Labcorp
Classification: Uncertain significance for Brugada syndrome. Last evaluated: 2025-12-08. Review status: criteria provided, single submitter. Criteria: Invitae Variant Classification Sherloc (09022015). Collection method: clinical testing. Allele origin: germline.
Comment: This sequence change replaces glutamic acid, which is acidic and polar, with glycine, which is neutral and non-polar, at codon 457 of the SCN10A protein (p.Glu457Gly). This variant is present in population databases (rs766017851, gnomAD 0.03%). This variant has not been reported in the literature in individuals affected with SCN10A-related conditions. ClinVar contains an entry for this variant (Variation ID: 463232). Invitae Evidence Modeling of protein sequence and biophysical properties (such as structural, functional, and spatial information, amino acid conservation, physicochemical variation, residue mobility, and thermodynamic stability) indicates that this missense variant is not expected to disrupt SCN10A protein function with a negative predictive value of 80%. In summary, the available evidence is currently insufficient to determine the role of this variant in disease. Therefore, it has been classified as a Variant of Uncertain Significance.

CeGaT Center for Human Genetics Tuebingen
Classification: Uncertain significance. Last evaluated: 2025-01-01. Review status: criteria provided, single submitter. Criteria: CeGaT Center For Human Genetics Tuebingen Variant Classification Criteria Version 2. Collection method: clinical testing. Allele origin: germline. Affected: yes. Observed: 1 variant allele.

MGZ Medical Genetics Center
Classification: Uncertain significance for Episodic pain syndrome, familial, 2. Last evaluated: 2022-07-21. Review status: criteria provided, single submitter. Criteria: ACMG Guidelines, 2015. Collection method: clinical testing. Allele origin: germline. Affected: yes. Observed: 1 variant allele.
Comment: ACMG criteria applied: PP3, BS1

Ambry Genetics
Classification: Likely benign for Cardiovascular phenotype. Last evaluated: 2019-10-18. Review status: criteria provided, single submitter. Criteria: Ambry Variant Classification Scheme 2023. Collection method: clinical testing. Allele origin: germline.

NM_006514.4(SCN10A):c.1370A>G (p.Glu457Gly)

Gene: SCN10A (sodium voltage-gated channel alpha subunit 10; minus strand). Cytogenetic location: 3p22.2.
Variant type: single nucleotide variant.
Coding change: c.1370A>G on transcript NM_006514.4 (MANE Select); coding-DNA position 1370, A replaced by G.
Protein change: p.Glu457Gly; replaces glutamic acid 457 with glycine.
Molecular consequence: missense variant.
Genome position (GRCh38, 1-based): chr3:38,755,879, T>C on the plus strand (A>G on the coding strand, the complement: SCN10A is on the minus strand). VCF-style: chr3-38755879-T-C. GRCh37 (hg19) VCF-style: chr3-38797370-T-C.
Other names: c.1370A>G, p.Glu457Gly (NM_001293306.2, NM_001293307.2); short protein forms E457G.
Identifiers: ClinVar variation 463232 (VCV000463232.27), dbSNP rs766017851, ClinGen allele CA2320882.